The following is an entry in ClinVar:

ClinVar aggregate classification (germline): Pathogenic. Review status: criteria provided, single submitter (1 of 4 stars). 2 submissions from 1 submitter: Pathogenic (1). 1 of the submissions does not count toward it. Last evaluated 2024-03-14.

Conditions:
Sotos syndrome (SOTOS). Also called: Distinctive facial appearance, overgrowth in childhood, and learning disabilities or delayed development; CHROMOSOME 5q35 DELETION SYNDROME; CEREBRAL GIGANTISM; Sotos' syndrome; SOTOS SYNDROME 1. Identifiers: Orphanet 821, MedGen C0175695, MONDO:0019349, OMIM 117550.

Submissions (2):

Genomic Medicine Center of Excellence, King Faisal Specialist Hospital and Research Centre
Classification: Pathogenic for Sotos syndrome. Last evaluated: 2024-03-14. Review status: criteria provided, single submitter. Criteria: ACMG Guidelines, 2015. Collection method: clinical testing. Allele origin: germline.

Genomic Medicine Center of Excellence, King Faisal Specialist Hospital and Research Centre
Classification: Likely pathogenic. Review status: flagged submission. Criteria: ACMG Guidelines, 2015. Collection method: research. Allele origin: germline. Affected: yes. Not counted in ClinVar's aggregate classification.
ClinVar note: Reason: This record appears to be redundant with a more recent record from the same submitter.
ClinVar note: Notes: SCV000221586 appears to be redundant with SCV005016581.

NM_022455.5(NSD1):c.2058T>A (p.Tyr686Ter)

Gene: NSD1 (nuclear receptor binding SET domain protein 1; plus strand). Cytogenetic location: 5q35.3.
Variant type: single nucleotide variant.
Coding change: c.2058T>A on transcript NM_022455.5 (MANE Select); coding-DNA position 2058, T replaced by A.
Protein change: p.Tyr686Ter; replaces tyrosine 686 with a stop codon.
Molecular consequence: nonsense.
Genome position (GRCh38, 1-based): chr5:177,210,457, T>A. VCF-style: chr5-177210457-T-A. GRCh37 (hg19) VCF-style: chr5-176637458-T-A.
Other names: c.1185T>A, p.Tyr395Ter (NM_001365684.2, NM_001409306.1, NM_001409307.1 and 3 more transcripts); c.2058T>A, p.Tyr686Ter (NM_001409301.1, NM_001409302.1, NM_001409303.1); c.1638T>A, p.Tyr546Ter (NM_001409304.1); c.1305T>A, p.Tyr435Ter (NM_001409305.1); short protein forms Y686*, Y417*, Y546*, Y395*, Y435*.
Identifiers: ClinVar variation 191203 (VCV000191203.2), dbSNP rs786205576, ClinGen allele CA236245.